The following is an entry in ClinVar:

ClinVar aggregate classification (germline): Pathogenic (1 of 4 stars; one submission).

Submission:

GeneDx
Classification: Pathogenic. Last evaluated: 2014-10-16. Review status: criteria provided, single submitter. Criteria: GeneDx Variant Classification (06012015). Collection method: clinical testing. Allele origin: germline. Affected: yes.
Comment: This pathogenic variant is denoted ATM c.5496+1G>T or IVS36+1G>T and consists of a G>T nucleotide substitution at the +1 position of intron 36 of the ATM gene. The variant destroys a canonical splice donor site and is predicted to cause abnormal gene splicing, leading to either an abnormal message that is subject to nonsense-mediated mRNA decay or to an abnormal protein product. This variant has not, to our knowledge, been published in the literature. Based on the current evidence, we consider this variant to be pathogenic.The presence of

NM_000051.4(ATM):c.5496+1G>T

Gene: ATM (ATM serine/threonine kinase; plus strand). Cytogenetic location: 11q22.3.
Variant type: single nucleotide variant.
Coding change: c.5496+1G>T on transcript NM_000051.4 (MANE Select); the canonical splice donor site of the intron after coding-DNA position 5496, G replaced by T.
Molecular consequence: splice donor variant.
Genome position (GRCh38, 1-based): chr11:108,303,030, G>T. VCF-style: chr11-108303030-G-T. GRCh37 (hg19) VCF-style: chr11-108173757-G-T.
Other names: c.5496+1G>T (NM_001351834.2).
Identifiers: ClinVar variation 418031 (VCV000418031.2), dbSNP rs879254180, ClinGen allele CA16619198.